The following is an entry in ClinVar:

ClinVar aggregate classification (germline): Uncertain significance (1 of 4 stars; one submission).

Conditions:
Charcot-Marie-Tooth disease axonal type 2P. Also called: CHARCOT-MARIE-TOOTH NEUROPATHY, TYPE 2P; CHARCOT-MARIE-TOOTH DISEASE, AXONAL, TYPE 2G; CMT 2G; Charcot-Marie-Tooth Neuropathy Type 2G. Identifiers: Orphanet 300319, Orphanet 99941, MedGen C3280797, MONDO:0013753, OMIM 614436.

Allele frequency attached by ClinVar (database versions not stated): gnomAD exomes below 0.00001.
gnomAD v4.1: 4 of 1,610,620 alleles (0.00025%); highest among the groups gnomAD compares: Non-Finnish European, 0.00034%; no homozygotes.

Submission:

Labcorp Genetics (formerly Invitae), Labcorp
Classification: Uncertain significance for Charcot-Marie-Tooth disease axonal type 2P. Last evaluated: 2022-10-26. Review status: criteria provided, single submitter. Criteria: Invitae Variant Classification Sherloc (09022015). Collection method: clinical testing. Allele origin: germline.
Comment: In summary, the available evidence is currently insufficient to determine the role of this variant in disease. Therefore, it has been classified as a Variant of Uncertain Significance. This sequence change replaces glutamic acid, which is acidic and polar, with valine, which is neutral and non-polar, at codon 191 of the LRSAM1 protein (p.Glu191Val). This variant is not present in population databases (gnomAD no frequency). This variant has not been reported in the literature in individuals affected with LRSAM1-related conditions. Advanced modeling of protein sequence and biophysical properties (such as structural, functional, and spatial information, amino acid conservation, physicochemical variation, residue mobility, and thermodynamic stability) performed at Invitae indicates that this missense variant is not expected to disrupt LRSAM1 protein function.

NM_001005373.4(LRSAM1):c.572A>T (p.Glu191Val)

Gene: LRSAM1 (leucine rich repeat and sterile alpha motif containing 1; plus strand). Cytogenetic location: 9q33.3.
Variant type: single nucleotide variant.
Coding change: c.572A>T on transcript NM_001005373.4 (MANE Select); coding-DNA position 572, A replaced by T.
Protein change: p.Glu191Val; replaces glutamic acid 191 with valine.
Molecular consequence: missense variant. On other transcripts: 5 prime UTR variant (1), non-coding transcript variant (2).
Genome position (GRCh38, 1-based): chr9:127,467,783, A>T. VCF-style: chr9-127467783-A-T. GRCh37 (hg19) VCF-style: chr9-130230062-A-T.
Other names: c.572A>T, p.Glu191Val (NM_001005374.4, NM_001190723.3, NM_001384142.1 and 2 more transcripts); c.-213A>T (NM_001384144.1); short protein forms E191V.
Identifiers: ClinVar variation 1941890 (VCV001941890.5), dbSNP rs2539345517, ClinGen allele CA374928530.
Genomic context (GRCh38, chr9:127,467,783, plus strand): 5'-TACCCTTGTGTCTGCAGATGCTGAGCCTTGACGCCTCGGCCATGGTCTACCCGCCGCGGG[A>T]GGTGTGTGGTGCCGGCACTGCGGCCATCTTGCAGTTCCTCTGCAAAGGTAAAGCCAGGCC-3'
Protein context (NP_001005373.1, residues 181-201): DASAMVYPPR[Glu191Val]VCGAGTAAIL